The following is an entry in ClinVar:

NM_005751.5(AKAP9):c.10155G>C (p.Gln3385His)

Gene: AKAP9 (A-kinase anchoring protein 9; plus strand). Cytogenetic location: 7q21.2.
Variant type: single nucleotide variant.
Coding change: c.10155G>C on transcript NM_005751.5 (MANE Select); coding-DNA position 10155, G replaced by C.
Protein change: p.Gln3385His; replaces glutamine 3385 with histidine.
Molecular consequence: missense variant.
Genome position (GRCh38, 1-based): chr7:92,097,114, G>C. VCF-style: chr7-92097114-G-C. GRCh37 (hg19) VCF-style: chr7-91726428-G-C.
Other names: c.4800G>C, p.Gln1600His (NM_001379277.1); c.10131G>C, p.Gln3377His (NM_147185.3); short protein forms Q3385H, Q3377H, Q1600H.
Identifiers: ClinVar variation 3654665 (VCV003654665.2).
Genomic context (GRCh38, chr7:92,097,114, plus strand): 5'-GACTGAAAAATATAAACTGGATTCTTTGCAAACACGACAGCAAATGGAAAAAGATAGGCA[G>C]GTTCACAGGAAAACACTGCAGACAGAACAGGAGGCCAACACTGAGGGACAGAAAAAAATG-3'
Protein context (NP_005742.4, residues 3375-3395): QTRQQMEKDR[Gln3385His]VHRKTLQTEQ

ClinVar aggregate classification (germline): Uncertain significance (1 of 4 stars; one submission).

Conditions:
Long QT syndrome (LQTS). Identifiers: MedGen C0023976, MeSH D008133, MONDO:0002442. Disease mechanism: loss of function. Inheritance: Various modes of inheritance.

Submission:

Labcorp Genetics (formerly Invitae), Labcorp
Classification: Uncertain significance for Long QT syndrome. Last evaluated: 2025-02-24. Review status: criteria provided, single submitter. Criteria: Invitae Variant Classification Sherloc (09022015). Collection method: clinical testing. Allele origin: germline.
Comment: This sequence change replaces glutamine, which is neutral and polar, with histidine, which is basic and polar, at codon 3385 of the AKAP9 protein (p.Gln3385His). This variant is not present in population databases (gnomAD no frequency). This variant has not been reported in the literature in individuals affected with AKAP9-related conditions. An algorithm developed to predict the effect of missense changes on protein structure and function (PolyPhen-2) suggests that this variant is likely to be disruptive. In summary, the available evidence is currently insufficient to determine the role of this variant in disease. Therefore, it has been classified as a Variant of Uncertain Significance.